The following is an entry in ClinVar:

NM_014611.3(MDN1):c.7070-6dup

Gene: MDN1 (midasin AAA ATPase 1; minus strand). Cytogenetic location: 6q15.
Variant type: Duplication.
Coding change: c.7070-6dup on transcript NM_014611.3 (MANE Select); 6 bases into the intron before coding-DNA position 7070, one base duplicated (T; older notation c.7070-6dupT).
Molecular consequence: intron variant.
Genome position (GRCh38, 1-based): chr6:89,713,302, A duplicated on the plus strand (T on the coding strand, the reverse complement: MDN1 is on the minus strand); the first of 9 consecutive A bases (chr6:89,713,302-89,713,310); duplicating any one gives the same sequence. VCF-style (leftmost placement, unchanged base first): chr6-89713301-T-TA. GRCh37 (hg19) VCF-style: chr6-90423020-T-TA.
Identifiers: ClinVar variation 3034161 (VCV003034161.2), dbSNP rs554479820, ClinGen allele CA3924380.

ClinVar aggregate classification (germline): Likely benign (0 of 4 stars; one submission).

Conditions:
MDN1-related disorder. Also called: MDN1-related condition.

Submission:

PreventionGenetics, part of Exact Sciences
Classification: Likely benign for MDN1-related condition. Last evaluated: 2019-10-09. Review status: no assertion criteria provided. Collection method: clinical testing. Allele origin: germline.
Comment: This variant is classified as likely benign based on ACMG/AMP sequence variant interpretation guidelines (Richards et al. 2015 PMID: 25741868, with internal and published modifications).